The following is an entry in ClinVar:

ClinVar aggregate classification (germline): Likely benign. Review status: criteria provided, single submitter (1 of 4 stars). 2 submissions from 2 submitters: Likely benign (1). 1 of the submissions does not count toward it. Last evaluated 2025-12-07.

Conditions:
PCNT-related disorder. Also called: PCNT-related condition.

Allele frequency attached by ClinVar (database versions not stated): gnomAD exomes 0.00001 and 0.00002; ExAC 0.00002; gnomAD 0.00003 and 0.00004; TOPMed 0.00005; ESP Exome Variant Server 0.00008; 1000 Genomes Project 0.00020; 1000 Genomes Project 30x 0.00031.
gnomAD v4.1: 10 of 1,613,694 alleles (0.00062%); highest among the groups gnomAD compares: Admixed American, 0.01%; no homozygotes.

Submissions (2):

Labcorp Genetics (formerly Invitae), Labcorp
Classification: Likely benign. Last evaluated: 2025-12-07. Review status: criteria provided, single submitter. Criteria: Invitae Variant Classification Sherloc (09022015). Collection method: clinical testing. Allele origin: germline.

PreventionGenetics, part of Exact Sciences
Classification: Likely benign for PCNT-related condition. Last evaluated: 2024-07-10. Review status: no assertion criteria provided. Collection method: clinical testing. Allele origin: germline. Not counted in ClinVar's aggregate classification.
Comment: This variant is classified as likely benign based on ACMG/AMP sequence variant interpretation guidelines (Richards et al. 2015 PMID: 25741868, with internal and published modifications).

NM_006031.6(PCNT):c.8349C>T (p.Asp2783=)

Gene: PCNT (pericentrin; plus strand). Cytogenetic location: 21q22.3.
Variant type: single nucleotide variant.
Coding change: c.8349C>T on transcript NM_006031.6 (MANE Select); coding-DNA position 8349, C replaced by T.
Protein change: p.Asp2783=; no amino-acid change (aspartic acid 2783 retained).
Molecular consequence: synonymous variant.
Genome position (GRCh38, 1-based): chr21:46,431,813, C>T. VCF-style: chr21-46431813-C-T. GRCh37 (hg19) VCF-style: chr21-47851727-C-T.
Other names: c.7995C>T, p.Asp2665= (NM_001315529.2); c.8349C>T (NM_006031.5).
Identifiers: ClinVar variation 1596910 (VCV001596910.9), dbSNP rs145748861, ClinGen allele CA10080951.